The following is an entry in ClinVar:

ClinVar aggregate classification (germline): Uncertain significance (1 of 4 stars; one submission).

Conditions:
Hereditary cancer-predisposing syndrome. Also called: Neoplastic Syndromes, Hereditary; Tumor predisposition; Hereditary Cancer Syndrome; Hereditary neoplastic syndrome. Identifiers: Orphanet 140162, MedGen C0027672, MeSH D009386, MONDO:0015356.

Submission:

Ambry Genetics
Classification: Uncertain significance for Hereditary cancer-predisposing syndrome. Last evaluated: 2024-05-09. Review status: criteria provided, single submitter. Criteria: Ambry Variant Classification Scheme 2023. Collection method: clinical testing. Allele origin: germline.
Comment: The p.L1311V variant (also known as c.3931T>G), located in coding exon 23 of the PTCH1 gene, results from a T to G substitution at nucleotide position 3931. The leucine at codon 1311 is replaced by valine, an amino acid with highly similar properties. This amino acid position is conserved. In addition, this alteration is predicted to be tolerated by in silico analysis. Since supporting evidence is limited at this time, the clinical significance of this alteration remains unclear.

NM_000264.5(PTCH1):c.3931T>G (p.Leu1311Val)

Gene: PTCH1 (patched 1; minus strand). Cytogenetic location: 9q22.32.
Variant type: single nucleotide variant.
Coding change: c.3931T>G on transcript NM_000264.5 (MANE Select); coding-DNA position 3931, T replaced by G.
Protein change: p.Leu1311Val; replaces leucine 1311 with valine.
Molecular consequence: missense variant. On other transcripts: non-coding transcript variant (1).
Genome position (GRCh38, 1-based): chr9:95,447,325, A>C on the plus strand (T>G on the coding strand, the complement: PTCH1 is on the minus strand). VCF-style: chr9-95447325-A-C. GRCh37 (hg19) VCF-style: chr9-98209607-A-C.
Other names: c.3733T>G, p.Leu1245Val (NM_001083602.3); c.3928T>G, p.Leu1310Val (NM_001083603.3); c.3478T>G, p.Leu1160Val (NM_001083604.3, NM_001083605.3, NM_001083606.3 and 1 more transcripts); c.3775T>G, p.Leu1259Val (NM_001354918.2); short protein forms L1245V, L1259V, L1311V, L1160V, L1310V.
Identifiers: ClinVar variation 1736275 (VCV001736275.3), dbSNP rs1336220252, ClinGen allele CA374110643.
Genomic context (GRCh38, chr9:95,447,325, plus strand): 5'-AATGCCCTTCAGTAGAAATTTCAAAAGCGTCTCTGCGCGGTCTGTAGGGGGGTGGCCACA[A>C]GCCTTCTCTGGGGGGGTCCCTGCGGGGCTGCTGGCCTTGCCGTCCGGGAGGCAGGGACCC-3'
Protein context (NP_000255.2, residues 1301-1321): QPRRDPPREG[Leu1311Val]WPPPYRPRRD